The following is an entry in ClinVar:

NM_017654.4(SAMD9):c.943G>C (p.Glu315Gln)

Gene: SAMD9 (sterile alpha motif domain containing 9; minus strand). Cytogenetic location: 7q21.2.
Variant type: single nucleotide variant.
Coding change: c.943G>C on transcript NM_017654.4 (MANE Select); coding-DNA position 943, G replaced by C.
Protein change: p.Glu315Gln; replaces glutamic acid 315 with glutamine.
Molecular consequence: missense variant.
Genome position (GRCh38, 1-based): chr7:93,105,155, C>G on the plus strand (G>C on the coding strand, the complement: SAMD9 is on the minus strand). VCF-style: chr7-93105155-C-G. GRCh37 (hg19) VCF-style: chr7-92734468-C-G.
Other names: c.943G>C, p.Glu315Gln (NM_001193307.2); short protein forms E315Q.
Identifiers: ClinVar variation 4863787 (VCV004863787.1).
Genomic context (GRCh38, chr7:93,105,155, plus strand): 5'-GTTCCCATATTTTGTTGTTGTAATTTTGCATTTTAATCTGGAAATAATCATATTGGCATT[C>G]AGAGAACTGTGGAATAATGTCCACTTCAATAACAAATCTGTCAGATAGAGTACTATTTGG-3'
Protein context (NP_060124.2, residues 305-325): IEVDIIPQFS[Glu315Gln]CQYDYFQIKM

ClinVar aggregate classification (germline): Uncertain significance (1 of 4 stars; one submission).

Conditions:
Inborn genetic diseases. Identifiers: MedGen C0950123, MeSH D030342.

Submission:

Ambry Genetics
Classification: Uncertain significance for Inborn genetic diseases. Last evaluated: 2026-03-30. Review status: criteria provided, single submitter. Criteria: Ambry Variant Classification Scheme 2023. Collection method: clinical testing. Allele origin: germline.
Comment: The p.E315Q variant (also known as c.943G>C), located in coding exon 1 of the SAMD9 gene, results from a G to C substitution at nucleotide position 943. The glutamic acid at codon 315 is replaced by glutamine, an amino acid with highly similar properties. This amino acid position is conserved. In addition, this alteration is predicted to be tolerated by in silico analysis. Based on the available evidence, the clinical significance of this variant remains unclear.